The following is an entry in ClinVar:

ClinVar aggregate classification (germline): Uncertain significance (1 of 4 stars; one submission).

gnomAD v4.1: 3 of 1,558,682 alleles (0.00019%); highest among the groups gnomAD compares: Admixed American, 0.0036%; no homozygotes.

Submission:

Labcorp Genetics (formerly Invitae), Labcorp
Classification: Uncertain significance. Last evaluated: 2024-06-18. Review status: criteria provided, single submitter. Criteria: Invitae Variant Classification Sherloc (09022015). Collection method: clinical testing. Allele origin: germline.
Comment: This sequence change replaces histidine, which is basic and polar, with tyrosine, which is neutral and polar, at codon 2106 of the ITPR1 protein (p.His2106Tyr). This variant is not present in population databases (gnomAD no frequency). This variant has not been reported in the literature in individuals affected with ITPR1-related conditions. Advanced modeling of protein sequence and biophysical properties (such as structural, functional, and spatial information, amino acid conservation, physicochemical variation, residue mobility, and thermodynamic stability) has been performed at Invitae for this missense variant, however the output from this modeling did not meet the statistical confidence thresholds required to predict the impact of this variant on ITPR1 protein function. In summary, the available evidence is currently insufficient to determine the role of this variant in disease. Therefore, it has been classified as a Variant of Uncertain Significance.

NM_001378452.1(ITPR1):c.6505C>T (p.His2169Tyr)

Gene: ITPR1 (inositol 1,4,5-trisphosphate receptor type 1; plus strand). Cytogenetic location: 3p26.1.
Variant type: single nucleotide variant.
Coding change: c.6505C>T on transcript NM_001378452.1 (MANE Select); coding-DNA position 6505, C replaced by T.
Protein change: p.His2169Tyr; replaces histidine 2169 with tyrosine.
Molecular consequence: missense variant.
Genome position (GRCh38, 1-based): chr3:4,782,736, C>T. VCF-style: chr3-4782736-C-T. GRCh37 (hg19) VCF-style: chr3-4824420-C-T.
Other names: c.6361C>T, p.His2121Tyr (NM_001099952.4); c.6460C>T, p.His2154Tyr (NM_001168272.2); c.6316C>T, p.His2106Tyr (NM_002222.7); short protein forms H2121Y, H2154Y, H2169Y, H2106Y.
Identifiers: ClinVar variation 3687666 (VCV003687666.2).